The following is an entry in ClinVar:

NM_001353108.3(CEP63):c.1159G>T (p.Glu387Ter)

Gene: CEP63 (centrosomal protein 63; plus strand). Cytogenetic location: 3q22.2.
Variant type: single nucleotide variant.
Coding change: c.1159G>T on transcript NM_001353108.3 (MANE Select); coding-DNA position 1159, G replaced by T.
Protein change: p.Glu387Ter; replaces glutamic acid 387 with a stop codon.
Molecular consequence: nonsense. On other transcripts: non-coding transcript variant (4).
Genome position (GRCh38, 1-based): chr3:134,549,153, G>T. VCF-style: chr3-134549153-G-T. GRCh37 (hg19) VCF-style: chr3-134267995-G-T.
Other names: c.1021G>T, p.Glu341Ter (NM_001042383.2, NM_001042384.2, NM_001353109.1 and 6 more transcripts); c.1159G>T, p.Glu387Ter (NM_001042400.3, NM_001353110.1, NM_001353111.2 and 4 more transcripts); c.1048G>T, p.Glu350Ter (NM_001353118.1); c.937G>T, p.Glu313Ter (NM_001353125.2); c.658G>T, p.Glu220Ter (NM_001353126.2); short protein forms E341*, E313*, E350*, E387*, E220*.
Identifiers: ClinVar variation 2815946 (VCV002815946.3), dbSNP rs2547015012, ClinGen allele CA354629866.

ClinVar aggregate classification (germline): Pathogenic (1 of 4 stars; one submission).

Submission:

Labcorp Genetics (formerly Invitae), Labcorp
Classification: Pathogenic. Last evaluated: 2022-11-23. Review status: criteria provided, single submitter. Criteria: Invitae Variant Classification Sherloc (09022015). Collection method: clinical testing. Allele origin: germline.
Comment: This variant has not been reported in the literature in individuals affected with CEP63-related conditions. For these reasons, this variant has been classified as Pathogenic. This sequence change creates a premature translational stop signal (p.Glu387*) in the CEP63 gene. It is expected to result in an absent or disrupted protein product. Loss-of-function variants in CEP63 are known to be pathogenic (PMID: 21983783, 23936128, 26158450). This variant is not present in population databases (gnomAD no frequency).

Literature cited by the submitters: PubMed 21983783; PubMed 23936128; PubMed 26158450.